The following is an entry in ClinVar:

ClinVar aggregate classification (germline): Likely benign. Review status: criteria provided, multiple submitters, no conflicts (2 of 4 stars). 3 submissions from 3 submitters: Likely benign (3). Last evaluated 2026-04-01.

Allele frequency attached by ClinVar (database versions not stated): gnomAD 0.00001; TOPMed 0.00002; gnomAD exomes 0.00003 and 0.00005; ExAC 0.00007.
gnomAD v4.1: 16 of 1,209,862 alleles (0.0013%); highest among the groups gnomAD compares: Admixed American, 0.035%; no homozygotes.

Submissions (3):

CeGaT Center for Human Genetics Tuebingen
Classification: Likely benign. Last evaluated: 2026-04-01. Review status: criteria provided, single submitter. Criteria: CeGaT Center For Human Genetics Tuebingen Variant Classification Criteria Version 2. Collection method: clinical testing. Allele origin: germline. Affected: yes. Observed: 1 variant allele.
Comment: USP9X: BP4, BP7, BS2

Labcorp Genetics (formerly Invitae), Labcorp
Classification: Likely benign. Last evaluated: 2025-12-26. Review status: criteria provided, single submitter. Criteria: Invitae Variant Classification Sherloc (09022015). Collection method: clinical testing. Allele origin: germline.

GeneDx
Classification: Likely benign. Last evaluated: 2020-06-08. Review status: criteria provided, single submitter. Criteria: GeneDx Variant Classification Process June 2021. Collection method: clinical testing. Allele origin: germline. Affected: yes.

NM_001039591.3(USP9X):c.6267T>C (p.Ala2089=)

Gene: USP9X (ubiquitin specific peptidase 9 X-linked; plus strand). Cytogenetic location: Xp11.4.
Variant type: single nucleotide variant.
Coding change: c.6267T>C on transcript NM_001039591.3 (MANE Select); coding-DNA position 6267, T replaced by C.
Protein change: p.Ala2089=; no amino-acid change (alanine 2089 retained).
Molecular consequence: synonymous variant.
Genome position (GRCh38, 1-based): chrX:41,218,429, T>C. VCF-style: chrX-41218429-T-C. GRCh37 (hg19) VCF-style: chrX-41077682-T-C.
Other names: c.6267T>C, p.Ala2089= (NM_001039590.3).
Identifiers: ClinVar variation 1187482 (VCV001187482.9), dbSNP rs746438922, ClinGen allele CA10389093.
Genomic context (GRCh38, chrX:41,218,429, plus strand): 5'-TAGGTATGATGCATTGTGTATTCTCCTTCGTCACAGCAAGAATGTACGTTTTTGGTTTGC[T>C]CATAACGTCCTTTTTAATGTTTCAAATCGCTTCTCCGAATACCTTCTGGAGTGCCCTAGT-3'
Protein context (NP_001034680.2, residues 2079-2099): RHSKNVRFWF[Ala2089=]HNVLFNVSNR